The following is an entry in ClinVar:

ClinVar aggregate classification (germline): Uncertain significance (1 of 4 stars; one submission).

Conditions:
Charcot-Marie-Tooth disease type 4. Also called: Charcot-Marie-Tooth, Type 4; Charcot-Marie-Tooth disease, type IV. Identifiers: Orphanet 64749, MedGen C4082197, MONDO:0018995.

Allele frequency attached by ClinVar (database versions not stated): gnomAD exomes below 0.00001.
gnomAD v4.1: 1 of 1,613,598 alleles (0.000062%); highest among the groups gnomAD compares: Non-Finnish European, 0.000085%; no homozygotes.

Submission:

Labcorp Genetics (formerly Invitae), Labcorp
Classification: Uncertain significance for Charcot-Marie-Tooth disease type 4. Last evaluated: 2021-09-19. Review status: criteria provided, single submitter. Criteria: Invitae Variant Classification Sherloc (09022015). Collection method: clinical testing. Allele origin: germline.
Comment: This sequence change replaces glutamine with proline at codon 111 of the SBF2 protein (p.Gln111Pro). The glutamine residue is moderately conserved and there is a moderate physicochemical difference between glutamine and proline. This variant is not present in population databases (ExAC no frequency). This variant has not been reported in the literature in individuals affected with SBF2-related conditions. Algorithms developed to predict the effect of missense changes on protein structure and function (SIFT, PolyPhen-2, Align-GVGD) all suggest that this variant is likely to be tolerated. In summary, the available evidence is currently insufficient to determine the role of this variant in disease. Therefore, it has been classified as a Variant of Uncertain Significance.

NM_030962.4(SBF2):c.332A>C (p.Gln111Pro)

Gene: SBF2 (SET binding factor 2; minus strand). Cytogenetic location: 11p15.4.
Variant type: single nucleotide variant.
Coding change: c.332A>C on transcript NM_030962.4 (MANE Select); coding-DNA position 332, A replaced by C.
Protein change: p.Gln111Pro; replaces glutamine 111 with proline.
Molecular consequence: missense variant.
Genome position (GRCh38, 1-based): chr11:10,031,118, T>G on the plus strand (A>C on the coding strand, the complement: SBF2 is on the minus strand). VCF-style: chr11-10031118-T-G. GRCh37 (hg19) VCF-style: chr11-10052665-T-G.
Other names: c.332A>C, p.Gln111Pro (NM_001386339.1, NM_001386342.1); short protein forms Q111P.
Identifiers: ClinVar variation 1345602 (VCV001345602.3), dbSNP rs1949239187, ClinGen allele CA379646673.